The following is an entry in ClinVar:

NM_001165963.4(SCN1A):c.4934G>A (p.Arg1645Gln)

Genes: SCN1A (sodium voltage-gated channel alpha subunit 1; minus strand), LOC102724058 (uncharacterized LOC102724058; plus strand). Cytogenetic location: 2q24.3.
Variant type: single nucleotide variant.
Coding change: c.4934G>A on transcript NM_001165963.4 (MANE Select); coding-DNA position 4934, G replaced by A.
Protein change: p.Arg1645Gln; replaces arginine 1645 with glutamine.
Molecular consequence: missense variant. On other transcripts: non-coding transcript variant (1).
Genome position (GRCh38, 1-based): chr2:165,992,341, C>T on the plus strand (G>A on the coding strand, the complement: SCN1A is on the minus strand). VCF-style: chr2-165992341-C-T. GRCh37 (hg19) VCF-style: chr2-166848851-C-T.
Other names: p.R1645Q:CGA>CAA; c.4850G>A, p.Arg1617Gln (NM_001165964.3, NM_001353957.2, NM_001353958.2); c.4934G>A, p.Arg1645Gln (NM_001202435.3, NM_001353948.2); c.4901G>A, p.Arg1634Gln (NM_001353949.2, NM_001353950.2, NM_001353951.2 and 2 more transcripts); c.4898G>A, p.Arg1633Gln (NM_001353954.2, NM_001353955.2); c.4847G>A, p.Arg1616Gln (NM_001353960.2); c.2492G>A, p.Arg831Gln (NM_001353961.2); short protein forms R1634Q, R1645Q, R1616Q, R1617Q, R1633Q, R831Q.
Identifiers: ClinVar variation 68558 (VCV000068558.25), dbSNP rs121917976, ClinGen allele CA284991.

ClinVar aggregate classification (germline): Pathogenic. Review status: criteria provided, multiple submitters, no conflicts (2 of 4 stars). 9 submissions from 9 submitters: Pathogenic (8). 1 of the submissions does not count toward it. Last evaluated 2025-12-21.

Conditions:
SCN1A-related disorder. Also called: SCN1A-related disorders; SCN1A-related conditions; SCN1A-related condition.
Early-infantile DEE. Also called: Early infantile epileptic encephalopathy; Early infantile epileptic encephalopathy with suppression bursts; Ohtahara syndrome. Identifiers: Orphanet 1934, MedGen C0393706, MONDO:0800491.
Inborn genetic diseases. Identifiers: MedGen C0950123, MeSH D030342.
Severe myoclonic epilepsy in infancy (DRVT). Also called: Severe Myoclonic Epilepsy in Infancy (SMEI); Dravet syndrome; Epileptic encephalopathy, early infantile, 6 (Dravet syndrome); SEVERE MYOCLONIC EPILEPSY OF INFANCY; DEVELOPMENTAL AND EPILEPTIC ENCEPHALOPATHY 6A. Identifiers: Orphanet 33069, MedGen C0751122, MONDO:0100135, OMIM 607208.
Generalized epilepsy with febrile seizures plus, type 2 (GEFSP2). Also called: GEFS+, TYPE 2. Identifiers: Orphanet 36387, MedGen C1858673, MONDO:0011461, OMIM 604403.
Migraine, familial hemiplegic, 3. Identifiers: Orphanet 569, MedGen C1864987, MONDO:0012320, OMIM 609634.

Submissions (9):

Labcorp Genetics (formerly Invitae), Labcorp
Classification: Pathogenic for Early-infantile DEE. Last evaluated: 2025-12-21. Review status: criteria provided, single submitter. Criteria: Invitae Variant Classification Sherloc (09022015). Collection method: clinical testing. Allele origin: germline.
Comment: This sequence change replaces arginine, which is basic and polar, with glutamine, which is neutral and polar, at codon 1645 of the SCN1A protein (p.Arg1645Gln). This variant is present in population databases (rs121917976, gnomAD 0.0009%). This missense change has been observed in individual(s) with Dravet syndrome (PMID: 17347258, 27864847). In at least one individual the variant was observed to be de novo. ClinVar contains an entry for this variant (Variation ID: 68558). Invitae Evidence Modeling of protein sequence and biophysical properties (such as structural, functional, and spatial information, amino acid conservation, physicochemical variation, residue mobility, and thermodynamic stability) indicates that this missense variant is expected to disrupt SCN1A protein function with a positive predictive value of 95%. For these reasons, this variant has been classified as Pathogenic.

3billion
Classification: Pathogenic for SCN1A-related disorder. Last evaluated: 2025-12-15. Review status: criteria provided, single submitter. Criteria: ACMG Guidelines, 2015. Collection method: clinical testing. Allele origin: germline. Affected: yes.
Comment: The variant is not observed in the gnomAD v4.1.0 dataset. Predicted Consequence/Location: Missense variant In silico tool predictions suggest damaging effect of the variant on gene or gene product [REVEL: 0.96 (>=0.6, sensitivity 0.68 and specificity 0.92); 3Cnet: 1.00 (> 0.75, sensitivity 0.96 and precision 0.92)]. The same nucleotide change resulting in the same amino acid change has been previously reported as pathogenic/likely pathogenic with strong evidence (ClinVar ID: VCV000068558 /PMID: 17347258). The variant has been previously reported as assumed (i.e. paternity and maternity not confirmed) de novo in at least one similarly affected unrelated individual (PMID: 19359143). Different missense changes at the same codon (p.Arg1645Gly, p.Arg1645Pro) have been reported as pathogenic/likely pathogenic with strong evidence (ClinVar ID: VCV000190005, VCV004292082 /PMID: 26096185, 35087721 /3billion dataset). Therefore, this variant is classified as Pathogenic according to the recommendation of ACMG/AMP guideline.

GeneDx
Classification: Pathogenic. Last evaluated: 2020-07-06. Review status: criteria provided, single submitter. Criteria: GeneDx Variant Classification Process June 2021. Collection method: clinical testing. Allele origin: germline. Affected: yes.
Comment: Not observed at a significant frequency in large population cohorts (Lek et al., 2016); Missense variants in this gene are often considered pathogenic (Stenson et al., 2014); In silico analysis supports that this missense variant has a deleterious effect on protein structure/function; This variant is associated with the following publications: (PMID: 19585586, 17347258, 16713920, 19359143, 19589774, 27864847, 31134136, 31031587)

Centre for Mendelian Genomics, University Medical Centre Ljubljana
Classification: Pathogenic for Migraine, familial hemiplegic, 3. Last evaluated: 2018-11-28. Review status: criteria provided, single submitter. Criteria: ACMG Guidelines, 2015. Collection method: clinical testing. Allele origin: unknown. Affected: yes.
Comment: This variant was classified as: Pathogenic. The following ACMG criteria were applied in classifying this variant: PM1,PP2,PP3,PS1.

Fulgent Genetics
Classification: Pathogenic for Generalized epilepsy with febrile seizures plus, type 2; Severe myoclonic epilepsy in infancy; Migraine, familial hemiplegic, 3. Last evaluated: 2018-10-31. Review status: criteria provided, single submitter. Criteria: ACMG Guidelines, 2015. Collection method: clinical testing. Allele origin: unknown.

Neurogenetics Laboratory - MEYER, AOU Meyer
Classification: Pathogenic for Severe myoclonic epilepsy in infancy. Last evaluated: 2016-11-16. Review status: criteria provided, single submitter. Criteria: ACMG Guidelines, 2015. Collection method: clinical testing. Allele origin: de novo. Affected: yes. Observed: 1 heterozygote.

Ambry Genetics
Classification: Pathogenic for Inborn genetic diseases. Last evaluated: 2016-05-06. Review status: criteria provided, single submitter. Criteria: Ambry Variant Classification Scheme 2023. Collection method: clinical testing. Allele origin: germline.
Comment: The p.R1645Q pathogenic mutation (also known as c.4934G>A), located in coding exon 26 of the SCN1A gene, results from a G to A substitution at nucleotide position 4934. The arginine at codon 1645 is replaced by glutamine, an amino acid with highly similar properties. This alteration has been reported in the literature as de novo in two individuals with the SCN1A-related seizure disorder, Dravet syndrome (Harkin LA, Brain 2007; 130:843-52; Heron SE, J. Med. Genet. 2010; 47(2):137-41; Bolszak M, Epilepsy Res. 2009; 85(2-3):300-4). The position R1645 corresponds to a well-defined arginine (R3) in the voltage sensing motif known to play a significant role in gating function (DeCoursey TE. Physiol Rev. 2013;93(2):599-652). Based on the supporting evidence this alteration is interpreted as a disease-causing mutation.

Neuberg Centre For Genomic Medicine, NCGM
Classification: Pathogenic for Severe myoclonic epilepsy in infancy. Review status: criteria provided, single submitter. Criteria: ACMG Guidelines, 2015. Collection method: clinical testing. Allele origin: germline. Affected: yes.
Comment: The missense variant p.R1645Q in SCN1A (NM_001165963.4) has ben previously reported in multiple patients with Dravet syndrome including one where it was confirmed to be de novo (Harkin LA et al; Parrini E et al). The variant has been submitted to ClinVar as Pathogenic.The missense variant c.4934G>A (p.R1645Q) in SCN1A (NM_001165963.4) is not observed in the large population cohorts of the gnomAD and 1000 Genomes datasets (Exome Aggregation Consortium et al., 2016; 1000 Genomes Consortium et al., 2015). The p.R1645Q missense variant is predicted to be damaging by both SIFT and PolyPhen2. The arginine residue at codon 1645 of SCN1A is conserved in all mammalian species. The nucleotide c.4934 in SCN1A is predicted conserved by GERP++ and PhyloP across 100 vertebrates. For these reasons, this variant has been classified as Pathogenic.

UniProtKB/Swiss-Prot
No classification provided. Condition: Severe myoclonic epilepsy in infancy. Review status: no classification provided. Collection method: not provided. Allele origin: unknown. Not counted in ClinVar's aggregate classification.

Literature cited by the submitters: PubMed 17347258 (cited by 3 submitters); PubMed 27864847 (cited by Labcorp Genetics (formerly Invitae), Labcorp); PubMed 26096185 (cited by 3billion); PubMed 19359143 (cited by 3billion and Ambry Genetics); PubMed 19589774 (cited by Ambry Genetics).